The following is an entry in ClinVar:

NM_019892.6(INPP5E):c.1794G>T (p.Gly598=)

Gene: INPP5E (inositol polyphosphate-5-phosphatase E; minus strand). Cytogenetic location: 9q34.3.
Variant type: single nucleotide variant.
Coding change: c.1794G>T on transcript NM_019892.6 (MANE Select); coding-DNA position 1794, G replaced by T.
Protein change: p.Gly598=; no amino-acid change (glycine 598 retained).
Molecular consequence: synonymous variant.
Genome position (GRCh38, 1-based): chr9:136,430,285, C>A on the plus strand (G>T on the coding strand, the complement: INPP5E is on the minus strand). VCF-style: chr9-136430285-C-A. GRCh37 (hg19) VCF-style: chr9-139324737-C-A.
Other names: p.Gly598=; c.1791G>T, p.Gly597= (NM_001318502.2).
Identifiers: ClinVar variation 129272 (VCV000129272.26), dbSNP rs33982662, ClinGen allele CA153167.
Genomic context (GRCh38, chr9:136,430,285, plus strand): 5'-CGACGGCACGACCCCCAGGCCCAAGGGGGAAGGTGAGCGGGAGAACACTGACTTGTCTCG[C>A]CCCGGCCTCACTTTCACCCGGAAGAGGCCATACACAGGGCGGTGGTCGGACGTCTTGATC-3'
Protein context (NP_063945.2, residues 588-608): YGLFRVKVRP[Gly598=]RDNIPLAAGK

ClinVar aggregate classification (germline): Benign. Review status: criteria provided, multiple submitters, no conflicts (2 of 4 stars). 8 submissions from 8 submitters: Benign (7). 1 of the submissions does not count toward it. Last evaluated 2026-02-04.

Conditions:
Joubert syndrome 1 (JBTS1). Also called: Cerebellooculorenal syndrome 1; CEREBELLOPARENCHYMAL DISORDER IV. Identifiers: MedGen C4551568, MONDO:0008944, OMIM 213300.
Joubert syndrome. Also called: Familial aplasia of the vermis; JOUBERT-BOLTSHAUSER SYNDROME. Identifiers: Orphanet 475, MedGen C5979921, MONDO:0018772.

Allele frequency attached by ClinVar (database versions not stated): 1000 Genomes Project 0.17392; 1000 Genomes Project 30x 0.17770; ExAC 0.20473; ESP Exome Variant Server 0.21675; TOPMed 0.22002; gnomAD 0.22542 and 0.22912; gnomAD exomes 0.23055.
gnomAD v4.1: 405,373 of 1,551,170 alleles (26%); highest among the groups gnomAD compares: Non-Finnish European, 29%; 55,551 homozygotes.

Submissions (8):

Labcorp Genetics (formerly Invitae), Labcorp
Classification: Benign for Joubert syndrome. Last evaluated: 2026-02-04. Review status: criteria provided, single submitter. Criteria: Invitae Variant Classification Sherloc (09022015). Collection method: clinical testing. Allele origin: germline.

Blueprint Genetics
Classification: Benign. Last evaluated: 2024-11-27. Review status: criteria provided, single submitter. Criteria: ACMG Guidelines, 2015. Collection method: clinical testing. Allele origin: germline.

Mayo Clinic Laboratories, Mayo Clinic
Classification: Benign. Last evaluated: 2022-03-09. Review status: criteria provided, single submitter. Criteria: ACMG Guidelines, 2015. Collection method: clinical testing. Allele origin: germline. Observed: 27 variant alleles.

Illumina Laboratory Services, Illumina
Classification: Benign for Joubert syndrome 1. Last evaluated: 2018-01-13. Review status: criteria provided, single submitter. Criteria: ICSL Variant Classification Criteria 13 December 2019. Collection method: clinical testing. Allele origin: germline.
Comment: This variant was observed in the ICSL laboratory as part of a predisposition screen in an ostensibly healthy population. It had not been previously curated by ICSL or reported in the Human Gene Mutation Database (HGMD: prior to June 1st, 2018), and was therefore a candidate for classification through an automated scoring system. Utilizing variant allele frequency, disease prevalence and penetrance estimates, and inheritance mode, an automated score was calculated to assess if this variant is too frequent to cause the disease. Based on the score and internal cut-off values, a variant classified as benign is not then subjected to further curation. The score for this variant resulted in a classification of benign for this disease.

GeneDx
Classification: Benign. Last evaluated: 2015-03-03. Review status: criteria provided, single submitter. Criteria: GeneDx Variant Classification Process June 2021. Collection method: clinical testing. Allele origin: germline. Affected: yes.

Breakthrough Genomics
Classification: Benign. Review status: criteria provided, single submitter. Criteria: ACMG Guidelines, 2015. Collection method: not provided. Allele origin: germline. Inheritance: Autosomal recessive inheritance. Affected: yes.

PreventionGenetics, part of Exact Sciences
Classification: Benign. Review status: criteria provided, single submitter. Criteria: ACMG Guidelines, 2015. Collection method: clinical testing. Allele origin: germline.

Genetic Services Laboratory, University of Chicago
Classification: Likely benign for AllHighlyPenetrant. Review status: no assertion criteria provided. Collection method: clinical testing. Allele origin: germline. Inheritance: Autosomal recessive inheritance. Not counted in ClinVar's aggregate classification.
Comment: Likely benign based on allele frequency in 1000 Genomes Project or ESP global frequency and its presence in a patient with a rare or unrelated disease phenotype. NOT Sanger confirmed.